The following is an entry in ClinVar:

ClinVar aggregate classification (germline): Uncertain significance. Review status: criteria provided, multiple submitters, no conflicts (2 of 4 stars). 2 submissions from 2 submitters: Uncertain significance (2). Last evaluated 2025-10-07.

Conditions:
Familial adenomatous polyposis 1 (FAP1). Also called: FAMILIAL ADENOMATOUS POLYPOSIS 1, ATTENUATED; POLYPOSIS, ADENOMATOUS INTESTINAL. Identifiers: MedGen C2713442, MONDO:0021056, OMIM 175100. Disease mechanism: loss of function.

gnomAD v4.1: 5 of 1,043,114 alleles (0.00048%); highest among the groups gnomAD compares: Admixed American, 0.0025%; no homozygotes.

Submissions (2):

Labcorp Genetics (formerly Invitae), Labcorp
Classification: Uncertain significance for Familial adenomatous polyposis 1. Last evaluated: 2025-10-07. Review status: criteria provided, single submitter. Criteria: Invitae Variant Classification Sherloc (09022015). Collection method: clinical testing. Allele origin: germline.
Comment: This variant occurs in the APC gene, which encodes an RNA molecule that does not result in a protein product. This variant is not present in population databases (gnomAD no frequency). This variant has not been reported in the literature in individuals affected with APC-related conditions. Experimental studies and prediction algorithms are not available or were not evaluated, and the functional significance of this variant is currently unknown. In summary, the available evidence is currently insufficient to determine the role of this variant in disease. Therefore, it has been classified as a Variant of Uncertain Significance.

GeneDx
Classification: Uncertain significance. Last evaluated: 2023-02-02. Review status: criteria provided, single submitter. Criteria: GeneDx Variant Classification Process June 2021. Collection method: clinical testing. Allele origin: germline. Affected: yes.
Comment: Nucleotide substitution has no predicted effect on splicing and is not conserved across species; Has not been previously published as pathogenic or benign to our knowledge; No data available from control populations to assess the frequency of this variant

NM_001127511.3(APC):c.-124C>A

Gene: APC (APC regulator of Wnt signaling pathway; plus strand). Cytogenetic location: 5q22.2.
Variant type: single nucleotide variant.
Coding change: c.-124C>A on transcript NM_001127511.3; 124 bases upstream of the start codon, C replaced by A.
Molecular consequence: 5 prime UTR variant. On other transcripts: non-coding transcript variant (2).
Genome position (GRCh38, 1-based): chr5:112,707,594, C>A. VCF-style: chr5-112707594-C-A. GRCh37 (hg19) VCF-style: chr5-112043291-C-A.
Other names: c.-307C>A (NM_001354895.2, NM_001407447.1, NM_001407452.1 and 3 more transcripts); c.-124C>A (NM_001354897.2, NM_001354902.2, NM_001407446.1); c.-74C>A (NM_001407448.1, NM_001407450.1, NM_001407457.1 and 1 more transcripts); c.-98C>A (NM_001407453.1); c.-1342C>A (NM_001407470.1, NM_001407472.1).
Identifiers: ClinVar variation 2197988 (VCV002197988.4), dbSNP rs964366695, ClinGen allele CA913187313.